The following is an entry in ClinVar:

ClinVar aggregate classification (germline): Uncertain significance (1 of 4 stars; one submission).

Conditions:
Congenital heart defects, dysmorphic facial features, and intellectual developmental disorder (CHDFIDD). Identifiers: Orphanet 646278, MedGen C4479246, MONDO:0044302, OMIM 617360.

Submission:

Laboratorio de Genetica e Diagnostico Molecular, Hospital Israelita Albert Einstein
Classification: Uncertain significance for Congenital heart defects, dysmorphic facial features, and intellectual developmental disorder. Last evaluated: 2025-05-19. Review status: criteria provided, single submitter. Criteria: ACMG Guidelines, 2015. Collection method: clinical testing. Allele origin: germline. Affected: yes.
Comment: ACMG classification criteria: PVS1 strong, PM2 supporting

NM_003718.5:c.2354-15885_2781-6387dup

Gene: CDK13 (cyclin dependent kinase 13; plus strand).
Variant type: Duplication.
Other names: c.2354-15885_2781-6387dup (NM_003718.5).
Identifiers: ClinVar variation 3902056 (VCV003902056.1).